The following is an entry in ClinVar:

ClinVar aggregate classification (germline): Uncertain significance. Review status: criteria provided, multiple submitters, no conflicts (2 of 4 stars). 6 submissions from 6 submitters: Uncertain significance (6). Last evaluated 2026-02-21.

Conditions:
Cardiomyopathy, familial hypertrophic 27. Identifiers: MedGen C4748014, MONDO:0054838, OMIM 618052.
Cardiovascular phenotype. Identifiers: MedGen CN230736.
ALPK3-related disorder. Also called: ALPK3-related condition.

Allele frequency attached by ClinVar (database versions not stated): ExAC 0.00002; gnomAD exomes 0.00002; gnomAD 0.00007; TOPMed 0.00011; ESP Exome Variant Server 0.00015.
gnomAD v4.1: 138 of 1,614,068 alleles (0.0085%); highest among the groups gnomAD compares: Admixed American, 0.017%; no homozygotes.

Submissions (6):

PreventionGenetics, part of Exact Sciences
Classification: Uncertain significance for ALPK3-related condition. Last evaluated: 2026-02-21. Review status: criteria provided, single submitter. Criteria: ACMG Guidelines, 2015. Collection method: clinical testing. Allele origin: germline.
Comment: The ALPK3 c.4556G>A variant is predicted to result in the amino acid substitution p.Gly1519Asp. To our knowledge, this variant has not been reported in the literature. This variant is reported in 0.0044% of alleles in individuals of European (Non-Finnish) descent in gnomAD. At this time, the clinical significance of this variant is uncertain due to the absence of conclusive functional and genetic evidence.

Labcorp Genetics (formerly Invitae), Labcorp
Classification: Uncertain significance. Last evaluated: 2026-01-10. Review status: criteria provided, single submitter. Criteria: Invitae Variant Classification Sherloc (09022015). Collection method: clinical testing. Allele origin: germline.
Comment: This sequence change replaces glycine, which is neutral and non-polar, with aspartic acid, which is acidic and polar, at codon 1519 of the ALPK3 protein (p.Gly1519Asp). This variant is present in population databases (rs148887150, gnomAD 0.004%). This variant has not been reported in the literature in individuals affected with ALPK3-related conditions. ClinVar contains an entry for this variant (Variation ID: 1385387). Invitae Evidence Modeling of protein sequence and biophysical properties (such as structural, functional, and spatial information, amino acid conservation, physicochemical variation, residue mobility, and thermodynamic stability) indicates that this missense variant is expected to disrupt ALPK3 protein function with a positive predictive value of 80%. In summary, the available evidence is currently insufficient to determine the role of this variant in disease. Therefore, it has been classified as a Variant of Uncertain Significance.

Ambry Genetics
Classification: Uncertain significance for Cardiovascular phenotype. Last evaluated: 2024-12-06. Review status: criteria provided, single submitter. Criteria: Ambry Variant Classification Scheme 2023. Collection method: clinical testing. Allele origin: germline.
Comment: The p.G1519D variant (also known as c.4556G>A), located in coding exon 7 of the ALPK3 gene, results from a G to A substitution at nucleotide position 4556. The glycine at codon 1519 is replaced by aspartic acid, an amino acid with similar properties. This amino acid position is not well conserved in available vertebrate species. In addition, this alteration is predicted to be tolerated by in silico analysis. Based on the available evidence, the clinical significance of this variant remains unclear.

Fulgent Genetics
Classification: Uncertain significance for Cardiomyopathy, familial hypertrophic 27. Last evaluated: 2024-05-08. Review status: criteria provided, single submitter. Criteria: ACMG Guidelines, 2015. Collection method: clinical testing. Allele origin: germline.

Women's Health and Genetics/Laboratory Corporation of America, LabCorp
Classification: Uncertain significance. Last evaluated: 2024-03-31. Review status: criteria provided, single submitter. Criteria: LabCorp Variant Classification Summary - May 2015. Collection method: clinical testing. Allele origin: germline.

GeneDx
Classification: Uncertain significance. Last evaluated: 2023-03-23. Review status: criteria provided, single submitter. Criteria: GeneDx Variant Classification Process June 2021. Collection method: clinical testing. Allele origin: germline. Affected: yes.
Comment: In silico analysis supports that this missense variant has a deleterious effect on protein structure/function; Has not been previously published as pathogenic or benign to our knowledge

NM_020778.5(ALPK3):c.3950G>A (p.Gly1317Asp)

Gene: ALPK3 (alpha kinase 3; plus strand). Cytogenetic location: 15q25.3.
Variant type: single nucleotide variant.
Coding change: c.3950G>A on transcript NM_020778.5 (MANE Select); coding-DNA position 3950, G replaced by A.
Protein change: p.Gly1317Asp; replaces glycine 1317 with aspartic acid.
Molecular consequence: missense variant.
Genome position (GRCh38, 1-based): chr15:84,859,375, G>A. VCF-style: chr15-84859375-G-A. GRCh37 (hg19) VCF-style: chr15-85402606-G-A.
Other names: short protein forms G1317D.
Identifiers: ClinVar variation 1385387 (VCV001385387.13), dbSNP rs148887150, ClinGen allele CA7709767.